The following is an entry in ClinVar:

ClinVar aggregate classification (germline): Uncertain significance (1 of 4 stars; one submission).

gnomAD v4.1: 3 of 1,211,632 alleles (0.00025%); highest among the groups gnomAD compares: Non-Finnish European, 0.00034%; no homozygotes.

Submission:

Labcorp Genetics (formerly Invitae), Labcorp
Classification: Uncertain significance. Last evaluated: 2025-03-25. Review status: criteria provided, single submitter. Criteria: Invitae Variant Classification Sherloc (09022015). Collection method: clinical testing. Allele origin: germline.
Comment: This sequence change replaces serine, which is neutral and polar, with leucine, which is neutral and non-polar, at codon 881 of the DRP2 protein (p.Ser881Leu). This variant is not present in population databases (gnomAD no frequency). This variant has not been reported in the literature in individuals affected with DRP2-related conditions. Invitae Evidence Modeling of protein sequence and biophysical properties (such as structural, functional, and spatial information, amino acid conservation, physicochemical variation, residue mobility, and thermodynamic stability) indicates that this missense variant is not expected to disrupt DRP2 protein function with a negative predictive value of 80%. In summary, the available evidence is currently insufficient to determine the role of this variant in disease. Therefore, it has been classified as a Variant of Uncertain Significance.

NM_001939.3(DRP2):c.2642C>T (p.Ser881Leu)

Gene: DRP2 (dystrophin related protein 2; plus strand). Cytogenetic location: Xq22.1.
Variant type: single nucleotide variant.
Coding change: c.2642C>T on transcript NM_001939.3 (MANE Select); coding-DNA position 2642, C replaced by T.
Protein change: p.Ser881Leu; replaces serine 881 with leucine.
Molecular consequence: missense variant.
Genome position (GRCh38, 1-based): chrX:101,260,062, C>T. VCF-style: chrX-101260062-C-T. GRCh37 (hg19) VCF-style: chrX-100515051-C-T.
Other names: c.2408C>T, p.Ser803Leu (NM_001171184.2); short protein forms S803L, S881L.
Identifiers: ClinVar variation 4702869 (VCV004702869.1).